The following is an entry in ClinVar:

ClinVar aggregate classification (germline): Conflicting classifications of pathogenicity. Review status: criteria provided, conflicting classifications (1 of 4 stars). 6 submissions from 6 submitters: Uncertain significance (2); Likely benign (4). Last evaluated 2025-12-16.

Conditions:
MYPN-related disorder. Also called: MYPN-related condition.
Cardiovascular phenotype. Identifiers: MedGen CN230736.
Dilated cardiomyopathy 1KK (CMD1KK). Identifiers: Orphanet 154, Orphanet 75249, MedGen C3714995, MONDO:0014100, OMIM 615248.

Allele frequency attached by ClinVar (database versions not stated): gnomAD exomes 0.00007 and 0.00016; TOPMed 0.00009; ExAC 0.00010; ESP Exome Variant Server 0.00015.
gnomAD v4.1: 125 of 1,614,014 alleles (0.0077%); highest among the groups gnomAD compares: Admixed American, 0.0017%; no homozygotes.

Submissions (6):

Labcorp Genetics (formerly Invitae), Labcorp
Classification: Likely benign for Dilated cardiomyopathy 1KK. Last evaluated: 2025-12-16. Review status: criteria provided, single submitter. Criteria: Invitae Variant Classification Sherloc (09022015). Collection method: clinical testing. Allele origin: germline.

Women's Health and Genetics/Laboratory Corporation of America, LabCorp
Classification: Uncertain significance. Last evaluated: 2025-07-09. Review status: criteria provided, single submitter. Criteria: LabCorp Variant Classification Summary - May 2015. Collection method: clinical testing. Allele origin: germline.

PreventionGenetics, part of Exact Sciences
Classification: Likely benign for MYPN-related condition. Last evaluated: 2025-05-16. Review status: criteria provided, single submitter. Criteria: ACMG Guidelines, 2015. Collection method: clinical testing. Allele origin: germline.
Comment: This variant is classified as likely benign based on ACMG/AMP sequence variant interpretation guidelines (Richards et al. 2015 PMID: 25741868, with internal and published modifications).

GeneDx
Classification: Likely benign. Last evaluated: 2021-01-18. Review status: criteria provided, single submitter. Criteria: GeneDx Variant Classification Process June 2021. Collection method: clinical testing. Allele origin: germline. Affected: yes.
Comment: Has not been previously published as pathogenic or benign to our knowledge; In silico analysis supports that this missense variant does not alter protein structure/function; Reported in ClinVar with conflicting classifications ranging from likely benign to uncertain significance (ClinVar Variant ID#191747; Landrum et al., 2016)

Ambry Genetics
Classification: Likely benign for Cardiovascular phenotype. Last evaluated: 2019-04-16. Review status: criteria provided, single submitter. Criteria: Ambry Variant Classification Scheme 2023. Collection method: clinical testing. Allele origin: germline.

Biesecker Lab/Clinical Genomics Section, National Institutes of Health
Classification: Uncertain significance. Last evaluated: 2013-06-24. Review status: criteria provided, single submitter. Criteria: Ng et al. (Circ Cardiovasc Genet. 2013). Collection method: research. Allele origin: unknown. Observed: 1 variant allele. Study: ClinSeq.
Comment: The study set was not selected for affection status in relation to any cancer. Pathogenicity categories were based on literature curation. See Pubmed ID:23861362 for details.

Medical sequencing

Literature cited by the submitters: PubMed 23861362 (cited by Ambry Genetics).

NM_032578.4(MYPN):c.392G>T (p.Ser131Ile)

Gene: MYPN (myopalladin; plus strand). Cytogenetic location: 10q21.3.
Variant type: single nucleotide variant.
Coding change: c.392G>T on transcript NM_032578.4 (MANE Select); coding-DNA position 392, G replaced by T.
Protein change: p.Ser131Ile; replaces serine 131 with isoleucine.
Molecular consequence: missense variant. On other transcripts: 5 prime UTR variant (1), non-coding transcript variant (1).
Genome position (GRCh38, 1-based): chr10:68,121,830, G>T. VCF-style: chr10-68121830-G-T. GRCh37 (hg19) VCF-style: chr10-69881587-G-T.
Other names: c.392G>T, p.Ser131Ile (NM_001256267.2); c.-731G>T (NM_001256268.2); short protein forms S131I.
Identifiers: ClinVar variation 191747 (VCV000191747.33), dbSNP rs199853307, ClinGen allele CA237442.